The following is an entry in ClinVar:

NM_000135.4(FANCA):c.1976A>T (p.Glu659Val)

Gene: FANCA (FA complementation group A; minus strand). Cytogenetic location: 16q24.3.
Variant type: single nucleotide variant.
Coding change: c.1976A>T on transcript NM_000135.4 (MANE Select); coding-DNA position 1976, A replaced by T.
Protein change: p.Glu659Val; replaces glutamic acid 659 with valine.
Molecular consequence: missense variant.
Genome position (GRCh38, 1-based): chr16:89,773,309, T>A on the plus strand (A>T on the coding strand, the complement: FANCA is on the minus strand). VCF-style: chr16-89773309-T-A. GRCh37 (hg19) VCF-style: chr16-89839717-T-A.
Other names: c.1976A>T, p.Glu659Val (NM_001286167.3); short protein forms E659V.
Identifiers: ClinVar variation 3848067 (VCV003848067.1).

ClinVar aggregate classification (germline): Uncertain significance (1 of 4 stars; one submission).

Conditions:
Inborn genetic diseases. Identifiers: MedGen C0950123, MeSH D030342.

gnomAD v4.1: 3 of 1,551,376 alleles (0.00019%); highest among the groups gnomAD compares: Admixed American, 0.002%; no homozygotes.

Submission:

Ambry Genetics
Classification: Uncertain significance for Inborn genetic diseases. Last evaluated: 2024-12-30. Review status: criteria provided, single submitter. Criteria: Ambry Variant Classification Scheme 2023. Collection method: clinical testing. Allele origin: germline.
Comment: The p.E659V variant (also known as c.1976A>T), located in coding exon 22 of the FANCA gene, results from an A to T substitution at nucleotide position 1976. The glutamic acid at codon 659 is replaced by valine, an amino acid with dissimilar properties. This amino acid position is conserved. In addition, this alteration is predicted to be tolerated by in silico analysis. Based on the available evidence, the clinical significance of this variant remains unclear.